The following is an entry in ClinVar:

NM_002335.4(LRP5):c.3586G>A (p.Ala1196Thr)

Gene: LRP5 (LDL receptor related protein 5; plus strand). Cytogenetic location: 11q13.2.
Variant type: single nucleotide variant.
Coding change: c.3586G>A on transcript NM_002335.4 (MANE Select); coding-DNA position 3586, G replaced by A.
Protein change: p.Ala1196Thr; replaces alanine 1196 with threonine.
Molecular consequence: missense variant.
Genome position (GRCh38, 1-based): chr11:68,426,136, G>A. VCF-style: chr11-68426136-G-A. GRCh37 (hg19) VCF-style: chr11-68193604-G-A.
Other names: c.1843G>A, p.Ala615Thr (NM_001291902.2); short protein forms A615T, A1196T.
Identifiers: ClinVar variation 1038540 (VCV001038540.15), dbSNP rs199887400, ClinGen allele CA6150037.
Genomic context (GRCh38, chr11:68,426,136, plus strand): 5'-ATGATCGAGCGTGTGGAGAAGACCACCGGGGACAAGCGGACTCGCATCCAGGGCCGTGTC[G>A]CCCACCTCACTGGCATCCATGCAGTGGAGGAAGTCAGCCTGGAGGAGTTCTGTACGTGGG-3'
Protein context (NP_002326.2, residues 1186-1206): DKRTRIQGRV[Ala1196Thr]HLTGIHAVEE

ClinVar aggregate classification (germline): Uncertain significance. Review status: criteria provided, multiple submitters, no conflicts (2 of 4 stars). 3 submissions from 3 submitters: Uncertain significance (3). Last evaluated 2025-12-08.

Conditions:
Bone mineral density quantitative trait locus 1 (BMND1). Identifiers: MedGen C1866079, OMIM 601884.
Worth disease. Also called: ENDOSTEAL HYPEROSTOSIS, AUTOSOMAL DOMINANT; OSTEOSCLEROSIS, AUTOSOMAL DOMINANT; Autosomal dominant osteosclerosis, Worth type. Identifiers: Orphanet 2790, MedGen C0432273, MONDO:0007764, OMIM 144750.
Exudative vitreoretinopathy 4 (EVR4). Identifiers: Orphanet 891, MedGen C1866176, MONDO:0011151, OMIM 601813.
Polycystic liver disease 4 with or without kidney cysts. Identifiers: MedGen C4693479, MONDO:0044327, OMIM 617875.
Autosomal dominant osteopetrosis 1 (OPTA1). Also called: OSTEOPETROSIS, AUTOSOMAL DOMINANT, TYPE I. Identifiers: Orphanet 2783, MedGen C1843330, MONDO:0011877, OMIM 607634.
Osteoporosis with pseudoglioma (OPPG). Also called: osteoporosis-pseudoglioma syndrome. Identifiers: Orphanet 2788, MedGen C0432252, MONDO:0009820, OMIM 259770.

Allele frequency attached by ClinVar (database versions not stated): ExAC 0.00003; gnomAD exomes 0.00003 and 0.00005; gnomAD 0.00010 and 0.00011; TOPMed 0.00012; 1000 Genomes Project 0.00020; 1000 Genomes Project 30x 0.00031.

Submissions (3):

Labcorp Genetics (formerly Invitae), Labcorp
Classification: Uncertain significance. Last evaluated: 2025-12-08. Review status: criteria provided, single submitter. Criteria: Invitae Variant Classification Sherloc (09022015). Collection method: clinical testing. Allele origin: germline.
Comment: This sequence change replaces alanine, which is neutral and non-polar, with threonine, which is neutral and polar, at codon 1196 of the LRP5 protein (p.Ala1196Thr). This variant is present in population databases (rs199887400, gnomAD 0.02%). This missense change has been observed in individual(s) with primary osteoporosis (PMID: 30283887). ClinVar contains an entry for this variant (Variation ID: 1038540). Invitae Evidence Modeling of protein sequence and biophysical properties (such as structural, functional, and spatial information, amino acid conservation, physicochemical variation, residue mobility, and thermodynamic stability) indicates that this missense variant is not expected to disrupt LRP5 protein function with a negative predictive value of 95%. In summary, the available evidence is currently insufficient to determine the role of this variant in disease. Therefore, it has been classified as a Variant of Uncertain Significance.

GeneDx
Classification: Uncertain significance. Last evaluated: 2025-07-09. Review status: criteria provided, single submitter. Criteria: GeneDx Variant Classification Process June 2021. Collection method: clinical testing. Allele origin: germline. Affected: yes.
Comment: Observed in a patient with idiopathic osteoporosis in published literature (PMID: 30283887); A published functional study suggests a damaging effect on Wnt signaling; however, the study also reported that a variant considered to be benign (V667M) caused reduced signaling (PMID: 30283887); In silico analysis suggests that this missense variant does not alter protein structure/function; This variant is associated with the following publications: (PMID: 30283887, Tsirpanlis2023[abstract])

Fulgent Genetics
Classification: Uncertain significance for Worth disease; Osteoporosis with pseudoglioma; Exudative vitreoretinopathy 4; Bone mineral density quantitative trait locus 1; Autosomal dominant osteopetrosis 1; Polycystic liver disease 4 with or without kidney cysts. Last evaluated: 2024-02-21. Review status: criteria provided, single submitter. Criteria: ACMG Guidelines, 2015. Collection method: clinical testing. Allele origin: germline.

Literature cited by the submitters: PubMed 30283887 (cited by Labcorp Genetics (formerly Invitae), Labcorp).